The following is an entry in ClinVar:

NM_001375524.1(TRRAP):c.5254A>G (p.Ser1752Gly)

Genes: TRRAP (transformation/transcription domain associated protein; plus strand), LOC126860121 (MED14-independent group 3 enhancer GRCh37_chr7:98547245-98548444; plus strand). Cytogenetic location: 7q22.1.
Variant type: single nucleotide variant.
Coding change: c.5254A>G on transcript NM_001375524.1 (MANE Select); coding-DNA position 5254, A replaced by G.
Protein change: p.Ser1752Gly; replaces serine 1752 with glycine.
Molecular consequence: missense variant.
Genome position (GRCh38, 1-based): chr7:98,950,182, A>G. VCF-style: chr7-98950182-A-G. GRCh37 (hg19) VCF-style: chr7-98547805-A-G.
Other names: c.5233A>G (NM_001244580.1); c.5233A>G, p.Ser1745Gly (NM_001244580.2); c.5179A>G, p.Ser1727Gly (NM_003496.4); short protein forms S1727G, S1745G, S1752G.
Identifiers: ClinVar variation 2984886 (VCV002984886.3), dbSNP rs1202070183, ClinGen allele CA368317341.

ClinVar aggregate classification (germline): Uncertain significance. Review status: criteria provided, multiple submitters, no conflicts (2 of 4 stars). 2 submissions from 2 submitters: Uncertain significance (2). Last evaluated 2025-11-24.

Conditions:
Inborn genetic diseases. Identifiers: MedGen C0950123, MeSH D030342.

Allele frequency attached by ClinVar (database versions not stated): gnomAD exomes 0.00001; TOPMed below 0.00001; gnomAD 0.00001.
gnomAD v4.1: 23 of 1,614,122 alleles (0.0014%); highest among the groups gnomAD compares: Non-Finnish European, 0.0019%; no homozygotes.

Submissions (2):

Ambry Genetics
Classification: Uncertain significance for Inborn genetic diseases. Last evaluated: 2025-11-24. Review status: criteria provided, single submitter. Criteria: Ambry Variant Classification Scheme 2023. Collection method: clinical testing. Allele origin: germline.

Labcorp Genetics (formerly Invitae), Labcorp
Classification: Uncertain significance. Last evaluated: 2023-12-01. Review status: criteria provided, single submitter. Criteria: Invitae Variant Classification Sherloc (09022015). Collection method: clinical testing. Allele origin: germline.
Comment: This sequence change replaces serine, which is neutral and polar, with glycine, which is neutral and non-polar, at codon 1727 of the TRRAP protein (p.Ser1727Gly). This variant is present in population databases (no rsID available, gnomAD 0.002%). This variant has not been reported in the literature in individuals affected with TRRAP-related conditions. Advanced modeling of protein sequence and biophysical properties (such as structural, functional, and spatial information, amino acid conservation, physicochemical variation, residue mobility, and thermodynamic stability) performed at Invitae indicates that this missense variant is not expected to disrupt TRRAP protein function with a negative predictive value of 80%. In summary, the available evidence is currently insufficient to determine the role of this variant in disease. Therefore, it has been classified as a Variant of Uncertain Significance.